The following is an entry in ClinVar:

ClinVar aggregate classification (germline): Uncertain significance (1 of 4 stars; one submission).

Conditions:
Agammaglobulinemia 4, autosomal recessive (AGM4). Also called: AGAMMAGLOBULINEMIA, AUTOSOMAL RECESSIVE, DUE TO BLNK DEFECT; B cell linker protein deficiency. Identifiers: MedGen C3150752, MONDO:0013289, OMIM 613502.

Allele frequency attached by ClinVar (database versions not stated): TOPMed 0.00004; gnomAD 0.00002.
gnomAD v4.1: 37 of 1,614,110 alleles (0.0023%); highest among the groups gnomAD compares: South Asian, 0.0033%; no homozygotes.

Submission:

Labcorp Genetics (formerly Invitae), Labcorp
Classification: Uncertain significance for Agammaglobulinemia 4, autosomal recessive. Last evaluated: 2022-03-28. Review status: criteria provided, single submitter. Criteria: Invitae Variant Classification Sherloc (09022015). Collection method: clinical testing. Allele origin: germline.
Comment: This sequence change replaces proline, which is neutral and non-polar, with leucine, which is neutral and non-polar, at codon 98 of the BLNK protein (p.Pro98Leu). This variant is present in population databases (rs201683834, gnomAD 0.1%). This variant has not been reported in the literature in individuals affected with BLNK-related conditions. ClinVar contains an entry for this variant (Variation ID: 839970). Algorithms developed to predict the effect of missense changes on protein structure and function (SIFT, PolyPhen-2, Align-GVGD) all suggest that this variant is likely to be disruptive. In summary, the available evidence is currently insufficient to determine the role of this variant in disease. Therefore, it has been classified as a Variant of Uncertain Significance.

NM_013314.4(BLNK):c.293C>T (p.Pro98Leu)

Gene: BLNK (B cell linker; minus strand). Cytogenetic location: 10q24.1.
Variant type: single nucleotide variant.
Coding change: c.293C>T on transcript NM_013314.4 (MANE Select); coding-DNA position 293, C replaced by T.
Protein change: p.Pro98Leu; replaces proline 98 with leucine.
Molecular consequence: missense variant. On other transcripts: non-coding transcript variant (4).
Genome position (GRCh38, 1-based): chr10:96,227,478, G>A on the plus strand (C>T on the coding strand, the complement: BLNK is on the minus strand). VCF-style: chr10-96227478-G-A. GRCh37 (hg19) VCF-style: chr10-97987234-G-A.
Other names: c.293C>T, p.Pro98Leu (NM_001114094.2, NM_001258440.2, NM_001258441.2 and 1 more transcripts); short protein forms P98L.
Identifiers: ClinVar variation 839970 (VCV000839970.7), dbSNP rs201683834, ClinGen allele CA5623512.